The following is an entry in ClinVar:

NM_001330588.2(TPP2):c.3475T>C (p.Ser1159Pro)

Gene: TPP2 (tripeptidyl peptidase 2; plus strand). Cytogenetic location: 13q33.1.
Variant type: single nucleotide variant.
Coding change: c.3475T>C on transcript NM_001330588.2 (MANE Select); coding-DNA position 3475, T replaced by C.
Protein change: p.Ser1159Pro; replaces serine 1159 with proline.
Molecular consequence: missense variant. On other transcripts: non-coding transcript variant (1).
Genome position (GRCh38, 1-based): chr13:102,674,386, T>C. VCF-style: chr13-102674386-T-C. GRCh37 (hg19) VCF-style: chr13-103326736-T-C.
Other names: c.3562T>C, p.Ser1188Pro (NM_001367947.1); c.3436T>C, p.Ser1146Pro (NM_003291.4); short protein forms S1146P, S1159P, S1188P.
Identifiers: ClinVar variation 1994191 (VCV001994191.4), dbSNP rs2504138415, ClinGen allele CA388512129.

ClinVar aggregate classification (germline): Uncertain significance (1 of 4 stars; one submission).

Conditions:
Evans syndrome, immunodeficiency, and premature immunosenescence associated with tripeptidyl-peptidase II deficiency. Identifiers: MedGen CN231723. Disease mechanism: loss of function.

Allele frequency attached by ClinVar (database versions not stated): gnomAD exomes below 0.00001.
gnomAD v4.1: 1 of 1,614,014 alleles (0.000062%); highest among the groups gnomAD compares: Non-Finnish European, 0.000085%; no homozygotes.

Submission:

Labcorp Genetics (formerly Invitae), Labcorp
Classification: Uncertain significance for Evans syndrome, immunodeficiency, and premature immunosenescence associated with tripeptidyl-peptidase II deficiency. Last evaluated: 2022-05-14. Review status: criteria provided, single submitter. Criteria: Invitae Variant Classification Sherloc (09022015). Collection method: clinical testing. Allele origin: germline.
Comment: This sequence change replaces serine, which is neutral and polar, with proline, which is neutral and non-polar, at codon 1146 of the TPP2 protein (p.Ser1146Pro). This variant is not present in population databases (gnomAD no frequency). This variant has not been reported in the literature in individuals affected with TPP2-related conditions. Algorithms developed to predict the effect of missense changes on protein structure and function (SIFT, PolyPhen-2, Align-GVGD) all suggest that this variant is likely to be tolerated. In summary, the available evidence is currently insufficient to determine the role of this variant in disease. Therefore, it has been classified as a Variant of Uncertain Significance.